The following is an entry in ClinVar:

ClinVar aggregate classification (germline): Uncertain significance (1 of 4 stars; one submission).

Conditions:
Alagille syndrome due to a NOTCH2 point mutation. Also called: Alagille syndrome 2. Identifiers: Orphanet 261629, Orphanet 52, MedGen C1857761, MONDO:0012439, OMIM 610205.
Hajdu-Cheney syndrome (HJCYS). Also called: SERPENTINE FIBULA-POLYCYSTIC KIDNEY SYNDROME; ACROOSTEOLYSIS WITH OSTEOPOROSIS AND CHANGES IN SKULL AND MANDIBLE; Acroosteolysis dominant type. Identifiers: Orphanet 955, MedGen C0917715, MONDO:0007057, OMIM 102500.

Submission:

Juno Genomics, Hangzhou Juno Genomics, Inc
Classification: Uncertain significance for Alagille syndrome due to a NOTCH2 point mutation; Hajdu-Cheney syndrome. Review status: criteria provided, single submitter. Criteria: ACMG Guidelines, 2015. Collection method: clinical testing. Allele origin: germline.
Comment: Absent from controls (or at extremely low frequency if recessive) in Genome Aggregation Database.;Missense variant in a gene that has a low rate of benign missense variation.

NM_024408.4(NOTCH2):c.5153G>T (p.Arg1718Leu)

Gene: NOTCH2 (notch receptor 2; minus strand). Cytogenetic location: 1p12.
Variant type: single nucleotide variant.
Coding change: c.5153G>T on transcript NM_024408.4 (MANE Select); coding-DNA position 5153, G replaced by T.
Protein change: p.Arg1718Leu; replaces arginine 1718 with leucine.
Molecular consequence: missense variant.
Genome position (GRCh38, 1-based): chr1:119,922,296, C>A on the plus strand (G>T on the coding strand, the complement: NOTCH2 is on the minus strand). VCF-style: chr1-119922296-C-A. GRCh37 (hg19) VCF-style: chr1-120464919-C-A.
Other names: short protein forms R1718L.
Identifiers: ClinVar variation 5018615 (VCV005018615.2).